The following is an entry in ClinVar:

NM_006031.6(PCNT):c.3428T>C (p.Met1143Thr)

Gene: PCNT (pericentrin; plus strand). Cytogenetic location: 21q22.3.
Variant type: single nucleotide variant.
Coding change: c.3428T>C on transcript NM_006031.6 (MANE Select); coding-DNA position 3428, T replaced by C.
Protein change: p.Met1143Thr; replaces methionine 1143 with threonine.
Molecular consequence: missense variant.
Genome position (GRCh38, 1-based): chr21:46,385,947, T>C. VCF-style: chr21-46385947-T-C. GRCh37 (hg19) VCF-style: chr21-47805862-T-C.
Other names: c.3074T>C, p.Met1025Thr (NM_001315529.2); short protein forms M1025T, M1143T.
Identifiers: ClinVar variation 1049043 (VCV001049043.1), dbSNP rs746010044, ClinGen allele CA410574448.

ClinVar aggregate classification (germline): Uncertain significance (0 of 4 stars; one submission).

Submission:

Department of Pathology and Laboratory Medicine, Sinai Health System
Classification: Uncertain significance. Review status: no assertion criteria provided. Collection method: clinical testing. Allele origin: unknown. Affected: yes. Study: The Canadian Open Genetics Repository (COGR).
Comment: The PCNT p.Met1143Thr variant was not identified in the literature nor was it identified in dbSNP, ClinVar, LOVD 3.0 or in the following control databases: the 1000 Genomes Project, the NHLBI GO Exome Sequencing Project, or the Genome Aggregation Database (March 6, 2019, v2.1.1). The p.Met1143 residue is conserved across mammals and other organisms, and computational analyses (PolyPhen-2, SIFT, AlignGVGD, BLOSUM, MutationTaster) suggest that the variant may impact the protein; however, this information is not predictive enough to assume pathogenicity. The variant occurs outside of the splicing consensus sequence and in silico or computational prediction software programs (SpliceSiteFinder, MaxEntScan, NNSPLICE, GeneSplicer) do not predict a difference in splicing. In summary, based on the above information the clinical significance of this variant cannot be determined with certainty at this time. This variant is classified as a variant of uncertain significance.